The following is an entry in ClinVar:

ClinVar aggregate classification (germline): Likely benign (1 of 4 stars; one submission).

Allele frequency attached by ClinVar (database versions not stated): gnomAD exomes below 0.00001; ExAC 0.00001; gnomAD 0.00001.
gnomAD v4.1: 3 of 1,613,890 alleles (0.00019%); highest among the groups gnomAD compares: East Asian, 0.0045%; no homozygotes.

Submission:

CeGaT Center for Human Genetics Tuebingen
Classification: Likely benign. Last evaluated: 2024-06-01. Review status: criteria provided, single submitter. Criteria: CeGaT Center For Human Genetics Tuebingen Variant Classification Criteria Version 2. Collection method: clinical testing. Allele origin: germline. Affected: yes. Observed: 1 variant allele.
Comment: ANK2: BP4

NM_001148.6(ANK2):c.11079G>A (p.Gln3693=)

Gene: ANK2 (ankyrin 2; plus strand). Cytogenetic location: 4q26.
Variant type: single nucleotide variant.
Coding change: c.11079G>A on transcript NM_001148.6 (MANE Select); coding-DNA position 11079, G replaced by A.
Protein change: p.Gln3693=; no amino-acid change (glutamine 3693 retained).
Molecular consequence: synonymous variant.
Genome position (GRCh38, 1-based): chr4:113,367,612, G>A. VCF-style: chr4-113367612-G-A. GRCh37 (hg19) VCF-style: chr4-114288768-G-A.
Other names: c.4809G>A, p.Gln1603= (NM_001386148.2, NM_001386186.2); c.4605G>A, p.Gln1535= (NM_001386149.1, NM_001386150.1, NM_001386153.1 and 1 more transcripts); c.4539G>A, p.Gln1513= (NM_001386151.1, NM_001354260.2, NM_001354271.2); c.4881G>A, p.Gln1627= (NM_001386152.1); c.4590G>A, p.Gln1530= (NM_001386154.1, NM_001354274.2); c.4563G>A, p.Gln1521= (NM_001386156.1, NM_001354257.2); c.4440G>A, p.Gln1480= (NM_001386157.1, NM_001354277.2); c.4341G>A, p.Gln1447= (NM_001386158.1); and 35 more.
Identifiers: ClinVar variation 3250582 (VCV003250582.18), dbSNP rs751167505.